The following is an entry in ClinVar:

NM_001199107.2(TBC1D24):c.913A>G (p.Met305Val)

Gene: TBC1D24 (TBC1 domain family member 24; plus strand). Cytogenetic location: 16p13.3.
Variant type: single nucleotide variant.
Coding change: c.913A>G on transcript NM_001199107.2 (MANE Select); coding-DNA position 913, A replaced by G.
Protein change: p.Met305Val; replaces methionine 305 with valine.
Molecular consequence: missense variant.
Genome position (GRCh38, 1-based): chr16:2,497,061, A>G. VCF-style: chr16-2497061-A-G. GRCh37 (hg19) VCF-style: chr16-2547062-A-G.
Other names: c.913A>G, p.Met305Val (NM_020705.3); short protein forms M305V.
Identifiers: ClinVar variation 1315323 (VCV001315323.2), dbSNP rs2141872743, ClinGen allele CA394377894.

ClinVar aggregate classification (germline): Uncertain significance (1 of 4 stars; one submission).

Submission:

GeneDx
Classification: Uncertain significance. Last evaluated: 2020-02-10. Review status: criteria provided, single submitter. Criteria: GeneDx Variant Classification Process June 2021. Collection method: clinical testing. Allele origin: germline. Affected: yes.
Comment: Not observed in large population cohorts (Lek et al., 2016); In silico analysis supports that this missense variant does not alter protein structure/function; Has not been previously published as pathogenic or benign to our knowledge